The following is an entry in ClinVar:

NM_007325.5(GRIA3):c.1613A>G (p.Gln538Arg)

Gene: GRIA3 (glutamate ionotropic receptor AMPA type subunit 3; plus strand). Cytogenetic location: Xq25.
Variant type: single nucleotide variant.
Coding change: c.1613A>G on transcript NM_007325.5 (MANE Select); coding-DNA position 1613, A replaced by G.
Protein change: p.Gln538Arg; replaces glutamine 538 with arginine.
Molecular consequence: missense variant.
Genome position (GRCh38, 1-based): chrX:123,417,514, A>G. VCF-style: chrX-123417514-A-G. GRCh37 (hg19) VCF-style: chrX-122551365-A-G.
Other names: c.1613A>G, p.Gln538Arg (NM_000828.5); short protein forms Q538R.
Identifiers: ClinVar variation 1351324 (VCV001351324.6), dbSNP rs2147393449, ClinGen allele CA414256914.

ClinVar aggregate classification (germline): Uncertain significance (1 of 4 stars; one submission).

Submission:

Labcorp Genetics (formerly Invitae), Labcorp
Classification: Uncertain significance. Last evaluated: 2021-11-13. Review status: criteria provided, single submitter. Criteria: Invitae Variant Classification Sherloc (09022015). Collection method: clinical testing. Allele origin: germline.
Comment: In summary, the available evidence is currently insufficient to determine the role of this variant in disease. Therefore, it has been classified as a Variant of Uncertain Significance. Algorithms developed to predict the effect of missense changes on protein structure and function are either unavailable or do not agree on the potential impact of this missense change (SIFT: "Tolerated"; PolyPhen-2: "Possibly Damaging"; Align-GVGD: "Class C0"). This variant has not been reported in the literature in individuals affected with GRIA3-related conditions. This variant is not present in population databases (gnomAD no frequency). This sequence change replaces glutamine, which is neutral and polar, with arginine, which is basic and polar, at codon 538 of the GRIA3 protein (p.Gln538Arg).